The following is an entry in ClinVar:

NM_001371928.1(AHDC1):c.85C>A (p.Pro29Thr)

Gene: AHDC1 (AT-hook DNA binding motif containing 1; minus strand). Cytogenetic location: 1p36.11.
Variant type: single nucleotide variant.
Coding change: c.85C>A on transcript NM_001371928.1 (MANE Select); coding-DNA position 85, C replaced by A.
Protein change: p.Pro29Thr; replaces proline 29 with threonine.
Molecular consequence: missense variant.
Genome position (GRCh38, 1-based): chr1:27,552,031, G>T on the plus strand (C>A on the coding strand, the complement: AHDC1 is on the minus strand). VCF-style: chr1-27552031-G-T. GRCh37 (hg19) VCF-style: chr1-27878542-G-T.
Other names: c.85C>A, p.Pro29Thr (NM_001029882.3); short protein forms P29T.
Identifiers: ClinVar variation 1030977 (VCV001030977.12), dbSNP rs947884627, ClinGen allele CA19879775.

ClinVar aggregate classification (germline): Conflicting classifications of pathogenicity. Review status: criteria provided, conflicting classifications (1 of 4 stars). 4 submissions from 4 submitters: Uncertain significance (2); Likely benign (2). Last evaluated 2025-10-16.

Conditions:
Inborn genetic diseases. Identifiers: MedGen C0950123, MeSH D030342.
AHDC1-related intellectual disability - obstructive sleep apnea - mild dysmorphism syndrome. Also called: Xia-Gibbs syndrome. Identifiers: Orphanet 412069, MedGen C4014419, MONDO:0014358, OMIM 615829.

Allele frequency attached by ClinVar (database versions not stated): gnomAD exomes below 0.00001; gnomAD 0.00004; TOPMed 0.00012.

Submissions (4):

Labcorp Genetics (formerly Invitae), Labcorp
Classification: Likely benign. Last evaluated: 2025-10-16. Review status: criteria provided, single submitter. Criteria: Invitae Variant Classification Sherloc (09022015). Collection method: clinical testing. Allele origin: germline.

Ambry Genetics
Classification: Uncertain significance for Inborn genetic diseases. Last evaluated: 2023-10-30. Review status: criteria provided, single submitter. Criteria: Ambry Variant Classification Scheme 2023. Collection method: clinical testing. Allele origin: germline.

GeneDx
Classification: Likely benign. Last evaluated: 2020-11-13. Review status: criteria provided, single submitter. Criteria: GeneDx Variant Classification Process June 2021. Collection method: clinical testing. Allele origin: germline. Affected: yes.

Baylor Genetics
Classification: Uncertain significance for AHDC1-related intellectual disability - obstructive sleep apnea - mild dysmorphism syndrome. Last evaluated: 2020-09-11. Review status: criteria provided, single submitter. Criteria: ACMG Guidelines, 2015. Collection method: clinical testing. Allele origin: unknown. Affected: yes.
Comment: This variant was determined to be of uncertain significance according to ACMG Guidelines, 2015 [PMID:25741868].